The following is an entry in ClinVar:

NM_004629.2(FANCG):c.281A>C (p.Gln94Pro)

Gene: FANCG (FA complementation group G; minus strand). Cytogenetic location: 9p13.3.
Variant type: single nucleotide variant.
Coding change: c.281A>C on transcript NM_004629.2 (MANE Select); coding-DNA position 281, A replaced by C.
Protein change: p.Gln94Pro; replaces glutamine 94 with proline.
Molecular consequence: missense variant.
Genome position (GRCh38, 1-based): chr9:35,078,631, T>G on the plus strand (A>C on the coding strand, the complement: FANCG is on the minus strand). VCF-style: chr9-35078631-T-G. GRCh37 (hg19) VCF-style: chr9-35078628-T-G.
Other names: short protein forms Q94P.
Identifiers: ClinVar variation 3848440 (VCV003848440.1).
Genomic context (GRCh38, chr9:35,078,631, plus strand): 5'-GGCAGGGGAATCAGGGACAATCTCTGGCCCTCACCTCTCTCTAGGCTCCGCTGGATATCC[T>G]GGGCCTGATCCTCTGTGAAACCCTGGGCCAAGCTTGCCCTCAGGATAATGAAGTTGCAGG-3'
Protein context (NP_004620.1, residues 84-104): LAQGFTEDQA[Gln94Pro]DIQRSLERVL

ClinVar aggregate classification (germline): Uncertain significance (1 of 4 stars; one submission).

Conditions:
Inborn genetic diseases. Identifiers: MedGen C0950123, MeSH D030342.

gnomAD v4.1: 1 of 1,614,046 alleles (0.000062%); highest among the groups gnomAD compares: Non-Finnish European, 0.000085%; no homozygotes.

Submission:

Ambry Genetics
Classification: Uncertain significance for Inborn genetic diseases. Last evaluated: 2025-02-11. Review status: criteria provided, single submitter. Criteria: Ambry Variant Classification Scheme 2023. Collection method: clinical testing. Allele origin: germline.
Comment: The p.Q94P variant (also known as c.281A>C), located in coding exon 3 of the FANCG gene, results from an A to C substitution at nucleotide position 281. The glutamine at codon 94 is replaced by proline, an amino acid with similar properties. This amino acid position is conserved. In addition, the in silico prediction for this alteration is inconclusive. Based on the available evidence, the clinical significance of this variant remains unclear.